The following is an entry in ClinVar:

ClinVar aggregate classification (germline): Uncertain significance. Review status: criteria provided, multiple submitters, no conflicts (2 of 4 stars). 4 submissions from 4 submitters: Uncertain significance (4). Last evaluated 2025-11-27.

Conditions:
Familial cancer of breast. Also called: BREAST CANCER, FAMILIAL; hereditary breast carcinoma; Hereditary breast cancer. Identifiers: Orphanet 227535, MedGen C0346153, MONDO:0016419, OMIM 114480. Disease mechanism: loss of function.
Fanconi anemia complementation group J. Also called: BRIP1-Related Fanconi Anemia. Identifiers: Orphanet 84, MedGen C1836860, MONDO:0012187, OMIM 609054.
Hereditary cancer-predisposing syndrome. Also called: Neoplastic Syndromes, Hereditary; Hereditary Cancer Syndrome; Tumor predisposition; Hereditary neoplastic syndrome. Identifiers: Orphanet 140162, MedGen C0027672, MeSH D009386, MONDO:0015356.

gnomAD v4.1: 3 of 1,613,670 alleles (0.00019%); highest among the groups gnomAD compares: Non-Finnish European, 0.00025%; no homozygotes.

Submissions (4):

Dasa
Classification: Uncertain significance. Last evaluated: 2025-11-27. Review status: criteria provided, single submitter. Criteria: DASA Assertion Criteria. Collection method: clinical testing. Allele origin: germline.
Comment: NM_032043.3(BRIP1):c.848G>T (p.Cys283Phe) is a missense variant that results in the substitution of cysteine with phenylalanine. This variant is rare in population databases. Computational prediction algorithms are consistent with a deleterious effect. The currently available literature and clinical evidence are not sufficient to establish a definitive association between this variant and the reported condition. Therefore, this variant is classified as a variant of uncertain significance.

Ambry Genetics
Classification: Uncertain significance for Hereditary cancer-predisposing syndrome. Last evaluated: 2024-03-14. Review status: criteria provided, single submitter. Criteria: Ambry Variant Classification Scheme 2023. Collection method: clinical testing. Allele origin: germline.
Comment: The p.C283F variant (also known as c.848G>T), located in coding exon 6 of the BRIP1 gene, results from a G to T substitution at nucleotide position 848. The cysteine at codon 283 is replaced by phenylalanine, an amino acid with highly dissimilar properties. This amino acid position is highly conserved in available vertebrate species. In addition, this alteration is predicted to be deleterious by in silico analysis. Since supporting evidence is limited at this time, the clinical significance of this alteration remains unclear.

Color Diagnostics, LLC DBA Color Health
Classification: Uncertain significance for Hereditary cancer-predisposing syndrome. Last evaluated: 2024-03-06. Review status: criteria provided, single submitter. Criteria: ACMG Guidelines, 2015. Collection method: clinical testing. Allele origin: germline.
Comment: This missense variant replaces cysteine with phenylalanine at codon 283 of the BRIP1 protein. Computational prediction suggests that this variant may have deleterious impact on protein structure and function (internally defined REVEL score threshold >= 0.7, PMID: 27666373). To our knowledge, functional studies have not been reported for this variant. This variant has not been reported in individuals affected with hereditary cancer in the literature. This variant has not been identified in the general population by the Genome Aggregation Database (gnomAD). The available evidence is insufficient to determine the role of this variant in disease conclusively. Therefore, this variant is classified as a Variant of Uncertain Significance.

Labcorp Genetics (formerly Invitae), Labcorp
Classification: Uncertain significance for Familial cancer of breast; Fanconi anemia complementation group J. Last evaluated: 2023-10-20. Review status: criteria provided, single submitter. Criteria: Invitae Variant Classification Sherloc (09022015). Collection method: clinical testing. Allele origin: germline.
Comment: This sequence change replaces cysteine, which is neutral and slightly polar, with phenylalanine, which is neutral and non-polar, at codon 283 of the BRIP1 protein (p.Cys283Phe). This variant is not present in population databases (gnomAD no frequency). This variant has not been reported in the literature in individuals affected with BRIP1-related conditions. ClinVar contains an entry for this variant (Variation ID: 530354). Advanced modeling of protein sequence and biophysical properties (such as structural, functional, and spatial information, amino acid conservation, physicochemical variation, residue mobility, and thermodynamic stability) performed at Invitae indicates that this missense variant is expected to disrupt BRIP1 protein function. In summary, the available evidence is currently insufficient to determine the role of this variant in disease. Therefore, it has been classified as a Variant of Uncertain Significance.

NM_032043.3(BRIP1):c.848G>T (p.Cys283Phe)

Gene: BRIP1 (BRCA1 interacting DNA helicase 1; minus strand). Cytogenetic location: 17q23.2.
Variant type: single nucleotide variant.
Coding change: c.848G>T on transcript NM_032043.3 (MANE Select); coding-DNA position 848, G replaced by T.
Protein change: p.Cys283Phe; replaces cysteine 283 with phenylalanine.
Molecular consequence: missense variant.
Genome position (GRCh38, 1-based): chr17:61,808,537, C>A on the plus strand (G>T on the coding strand, the complement: BRIP1 is on the minus strand). VCF-style: chr17-61808537-C-A. GRCh37 (hg19) VCF-style: chr17-59885898-C-A.
Other names: short protein forms C283F.
Identifiers: ClinVar variation 530354 (VCV000530354.13), dbSNP rs771096783, ClinGen allele CA400484787.
Genomic context (GRCh38, chr17:61,808,537, plus strand): 5'-TCTAGCAATTCCATGCACTTCTCATTTCTGTTGAAGTTACCGACTACCTCAGGATGGACA[C>A]AAGTATGATCCCTGCTGGAAAGAATAGTCATTGGAACCCCTGAATATGCCGTCCTCCGGA-3'
Protein context (NP_114432.2, residues 273-293): MTILSSRDHT[Cys283Phe]VHPEVVGNFN